The following is an entry in ClinVar:

ClinVar aggregate classification (germline): Pathogenic (1 of 4 stars; one submission).

Submission:

Labcorp Genetics (formerly Invitae), Labcorp
Classification: Pathogenic. Last evaluated: 2024-10-28. Review status: criteria provided, single submitter. Criteria: Invitae Variant Classification Sherloc (09022015). Collection method: clinical testing. Allele origin: germline.
Comment: This sequence change creates a premature translational stop signal (p.Asn570Metfs*18) in the CDHR1 gene. It is expected to result in an absent or disrupted protein product. Loss-of-function variants in CDHR1 are known to be pathogenic (PMID: 23044944, 23591405, 26103963, 26261414). This variant is not present in population databases (gnomAD no frequency). This variant has not been reported in the literature in individuals affected with CDHR1-related conditions. ClinVar contains an entry for this variant (Variation ID: 2101859). Algorithms developed to predict the effect of sequence changes on RNA splicing suggest that this variant may disrupt the consensus splice site. For these reasons, this variant has been classified as Pathogenic.

Literature cited by the submitters: PubMed 23044944; PubMed 23591405; PubMed 26103963; PubMed 26261414.

NM_033100.4(CDHR1):c.1709del (p.Asn570fs)

Gene: CDHR1 (cadherin related family member 1; plus strand). Cytogenetic location: 10q23.1.
Variant type: Deletion.
Coding change: c.1709del on transcript NM_033100.4 (MANE Select); coding-DNA position 1709, one base deleted (A; older notation c.1709delA).
Protein change: p.Asn570fs; shifts the reading frame from asparagine 570.
Molecular consequence: frameshift variant.
Genome position (GRCh38, 1-based): chr10:84,212,334, A deleted; the last of 2 consecutive A bases (chr10:84,212,333-84,212,334); deleting either gives the same sequence. VCF-style (leftmost placement, unchanged base first): chr10-84212332-CA-C. GRCh37 (hg19) VCF-style: chr10-85972088-CA-C.
Other names: c.1709del, p.Asn570fs (NM_001171971.3); short protein forms N570fs.
Identifiers: ClinVar variation 2101859 (VCV002101859.4), dbSNP rs2492539185, ClinGen allele CA2580082347.